The following is an entry in ClinVar:

ClinVar aggregate classification (germline): Uncertain significance. Review status: criteria provided, multiple submitters, no conflicts (2 of 4 stars). 2 submissions from 2 submitters: Uncertain significance (2). Last evaluated 2025-12-15.

Allele frequency attached by ClinVar (database versions not stated): TOPMed 0.00005.
gnomAD v4.1: 27 of 1,584,564 alleles (0.0017%); highest among the groups gnomAD compares: Admixed American, 0.022%; no homozygotes.

Submissions (2):

Ambry Genetics
Classification: Uncertain significance. Last evaluated: 2025-12-15. Review status: criteria provided, single submitter. Criteria: Ambry Variant Classification Scheme 2023. Collection method: clinical testing. Allele origin: germline.

Labcorp Genetics (formerly Invitae), Labcorp
Classification: Uncertain significance. Last evaluated: 2024-07-01. Review status: criteria provided, single submitter. Criteria: Invitae Variant Classification Sherloc (09022015). Collection method: clinical testing. Allele origin: germline.
Comment: This sequence change replaces glutamic acid, which is acidic and polar, with alanine, which is neutral and non-polar, at codon 349 of the RIMS1 protein (p.Glu349Ala). This variant is present in population databases (rs763316706, gnomAD 0.005%). This variant has not been reported in the literature in individuals affected with RIMS1-related conditions. ClinVar contains an entry for this variant (Variation ID: 848682). An algorithm developed to predict the effect of missense changes on protein structure and function (PolyPhen-2) suggests that this variant is likely to be tolerated. In summary, the available evidence is currently insufficient to determine the role of this variant in disease. Therefore, it has been classified as a Variant of Uncertain Significance.

NM_014989.7(RIMS1):c.1046A>C (p.Glu349Ala)

Gene: RIMS1 (regulating synaptic membrane exocytosis 1; plus strand). Cytogenetic location: 6q13.
Variant type: single nucleotide variant.
Coding change: c.1046A>C on transcript NM_014989.7 (MANE Select); coding-DNA position 1046, A replaced by C.
Protein change: p.Glu349Ala; replaces glutamic acid 349 with alanine.
Molecular consequence: missense variant.
Genome position (GRCh38, 1-based): chr6:72,182,517, A>C. VCF-style: chr6-72182517-A-C. GRCh37 (hg19) VCF-style: chr6-72892220-A-C.
Other names: c.1046A>C (NM_014989.4); short protein forms E349A.
Identifiers: ClinVar variation 848682 (VCV000848682.11), dbSNP rs763316706, ClinGen allele CA3885644.